The following is an entry in ClinVar:

ClinVar aggregate classification (germline): Benign. Review status: criteria provided, multiple submitters, no conflicts (2 of 4 stars). 2 submissions from 2 submitters: Benign (2). Last evaluated 2018-06-19.

Allele frequency attached by ClinVar (database versions not stated): 1000 Genomes Project 0.03415; TOPMed 0.03745; gnomAD 0.03921 and 0.03928; ESP Exome Variant Server 0.04078; gnomAD exomes 0.04218.

Submissions (2):

GeneDx
Classification: Benign. Last evaluated: 2018-06-19. Review status: criteria provided, single submitter. Criteria: GeneDx Variant Classification (06012015). Collection method: clinical testing. Allele origin: germline. Affected: yes.
Comment: This variant is considered likely benign or benign based on one or more of the following criteria: it is a conservative change, it occurs at a poorly conserved position in the protein, it is predicted to be benign by multiple in silico algorithms, and/or has population frequency not consistent with disease.

Breakthrough Genomics
Classification: Benign. Review status: criteria provided, single submitter. Criteria: ACMG Guidelines, 2015. Collection method: not provided. Allele origin: germline. Inheritance: Autosomal recessive inheritance. Affected: yes.

NM_203486.3(DLL3):c.352-52A>G

Gene: DLL3 (delta like canonical Notch ligand 3; plus strand). Cytogenetic location: 19q13.2.
Variant type: single nucleotide variant.
Coding change: c.352-52A>G on transcript NM_203486.3 (MANE Select); 52 bases into the intron before coding-DNA position 352, A replaced by G.
Molecular consequence: intron variant.
Genome position (GRCh38, 1-based): chr19:39,500,563, A>G. VCF-style: chr19-39500563-A-G. GRCh37 (hg19) VCF-style: chr19-39991203-A-G.
Other names: c.352-52A>G (NM_016941.4).
Identifiers: ClinVar variation 675053 (VCV000675053.2), dbSNP rs2304222, ClinGen allele CA15951912.
Genomic context (GRCh38, chr19:39,500,563, plus strand): 5'-TCAGTCCCCAGCAATGGCCATCACCCTCCATTCCTGAACTCTGGCCTTCATTGAGTACTT[A>G]CCCTAACCACTGTCTTTCATCTTTCATCTCCCCCTTCCTTCACCCAACCAGGGCACCTTC-3'